The following is an entry in ClinVar:

NM_000090.4(COL3A1):c.1201G>A (p.Ala401Thr)

Gene: COL3A1 (collagen type III alpha 1 chain; plus strand). Cytogenetic location: 2q32.2.
Variant type: single nucleotide variant.
Coding change: c.1201G>A on transcript NM_000090.4 (MANE Select); coding-DNA position 1201, G replaced by A.
Protein change: p.Ala401Thr; replaces alanine 401 with threonine.
Molecular consequence: missense variant.
Genome position (GRCh38, 1-based): chr2:188,994,240, G>A. VCF-style: chr2-188994240-G-A. GRCh37 (hg19) VCF-style: chr2-189858966-G-A.
Other names: short protein forms A401T.
Identifiers: ClinVar variation 579830 (VCV000579830.16), dbSNP rs373858715, ClinGen allele CA073990.

ClinVar aggregate classification (germline): Uncertain significance. Review status: criteria provided, multiple submitters, no conflicts (2 of 4 stars). 5 submissions from 5 submitters: Uncertain significance (4). 1 of the submissions does not count toward it. Last evaluated 2024-11-14.

Conditions:
COL3A1-related disorder. Also called: COL3A1-related condition.
Familial thoracic aortic aneurysm and aortic dissection (TAAD). Also called: Thoracic aortic aneurysms and dissections. Identifiers: Orphanet 91387, MedGen C4707243, MONDO:0019625.
Ehlers-Danlos syndrome, type 4 (EDSVASC). Also called: Ehlers-Danlos syndrome vascular type; Ehlers Danlos syndrome, ecchymotic type; Ehlers Danlos syndrome, arterial type; Ehlers Danlos syndrome, Sack-Barabas type; Ehlers-Danlos Syndrome Type IV. Identifiers: Orphanet 286, MedGen C0268338, MONDO:0017314, OMIM 130050.

Allele frequency attached by ClinVar (database versions not stated): gnomAD 0.00001; TOPMed 0.00001; ExAC 0.00002; ESP Exome Variant Server 0.00008.
gnomAD v4.1: 13 of 1,613,916 alleles (0.00081%); highest among the groups gnomAD compares: African/African-American, 0.0013%; no homozygotes.

Submissions (5):

Labcorp Genetics (formerly Invitae), Labcorp
Classification: Uncertain significance for Ehlers-Danlos syndrome, type 4. Last evaluated: 2024-11-14. Review status: criteria provided, single submitter. Criteria: Invitae Variant Classification Sherloc (09022015). Collection method: clinical testing. Allele origin: germline.
Comment: This sequence change replaces alanine, which is neutral and non-polar, with threonine, which is neutral and polar, at codon 401 of the COL3A1 protein (p.Ala401Thr). This variant is present in population databases (rs373858715, gnomAD 0.007%). This missense change has been observed in individual(s) with clinical features of COL3A1-related conditions (PMID: 30675029). ClinVar contains an entry for this variant (Variation ID: 579830). Invitae Evidence Modeling of protein sequence and biophysical properties (such as structural, functional, and spatial information, amino acid conservation, physicochemical variation, residue mobility, and thermodynamic stability) indicates that this missense variant is not expected to disrupt COL3A1 protein function with a negative predictive value of 95%. In summary, the available evidence is currently insufficient to determine the role of this variant in disease. Therefore, it has been classified as a Variant of Uncertain Significance.

All of Us Research Program, National Institutes of Health
Classification: Uncertain significance for Ehlers-Danlos syndrome, type 4. Last evaluated: 2024-07-10. Review status: criteria provided, single submitter. Criteria: ACMG Guidelines, 2015. Collection method: clinical testing. Allele origin: germline. Inheritance: Autosomal dominant inheritance. Observed: 1 variant allele, 1 heterozygote.
Comment: This missense variant replaces alanine with threonine at codon 401 of the COL3A1 protein. Computational prediction suggests that this variant may not impact protein structure and function (internally defined REVEL score threshold <= 0.5, PMID: 27666373). To our knowledge, functional studies have not been reported for this variant. This variant has not been reported in individuals affected with cardiovascular disorders in the literature. This variant has been identified in 2/251172 chromosomes in the general population by the Genome Aggregation Database (gnomAD). The available evidence is insufficient to determine the role of this variant in disease conclusively. Therefore, this variant is classified as a Variant of Uncertain Significance.

This study involves interpretation of variants in research participants for the purpose of population health screening. Participant phenotype was not available at the time of variant classification. Additional details can be found in publication PMID: 35346344, PMCID: PMC8962531

Color Diagnostics, LLC DBA Color Health
Classification: Uncertain significance for Familial thoracic aortic aneurysm and aortic dissection. Last evaluated: 2024-06-20. Review status: criteria provided, single submitter. Criteria: ACMG Guidelines, 2015. Collection method: clinical testing. Allele origin: germline.
Comment: This missense variant replaces alanine with threonine at codon 401 of the COL3A1 protein. Computational prediction tools indicate that this variant has a neutral impact on protein structure and function. To our knowledge, functional studies have not been reported for this variant. This variant has been reported in an individual affected with thoracic aortic aneurysm and aortic dissection (PMID: 30675029). This variant has been identified in 2/251172 chromosomes in the general population by the Genome Aggregation Database (gnomAD). The available evidence is insufficient to determine the role of this variant in disease conclusively. Therefore, this variant is classified as a Variant of Uncertain Significance.

Ambry Genetics
Classification: Uncertain significance for Familial thoracic aortic aneurysm and aortic dissection. Last evaluated: 2023-08-03. Review status: criteria provided, single submitter. Criteria: Ambry Variant Classification Scheme 2023. Collection method: clinical testing. Allele origin: germline.
Comment: The p.A401T variant (also known as c.1201G>A), located in coding exon 18 of the COL3A1 gene, results from a G to A substitution at nucleotide position 1201. The alanine at codon 401 is replaced by threonine, an amino acid with similar properties. This variant co-occurred with an MYH11 variant in an individual with initial differential diagnosis of thoracic aortic aneurysm and dissection and possible vascular Ehlers-Danlos syndrome; however, clinical details were not provided (Renner S et al. Genet Med, 2019 Aug;21:1832-1841). This amino acid position is not well conserved in available vertebrate species. In addition, the in silico prediction for this alteration is inconclusive. Since supporting evidence is limited at this time, the clinical significance of this alteration remains unclear.

PreventionGenetics, part of Exact Sciences
Classification: Uncertain significance for COL3A1-related condition. Last evaluated: 2024-06-12. Review status: no assertion criteria provided. Collection method: clinical testing. Allele origin: germline. Not counted in ClinVar's aggregate classification.
Comment: The COL3A1 c.1201G>A variant is predicted to result in the amino acid substitution p.Ala401Thr. This variant has been reported in an individual with thoracic aortic aneurysm and dissection (TAAD) and vascular Ehlers-Danlos syndrome; however, this individual also harbors another variant in MYH11 (Table S6, Renner et al 2019. PubMed ID: 30675029). This variant is reported in 0.0062% of alleles in individuals of African descent in gnomAD. At this time, the clinical significance of this variant is uncertain due to the absence of conclusive functional and genetic evidence.

Literature cited by the submitters: PubMed 30675029 (cited by 3 submitters).